The following is an entry in ClinVar:

NM_000219.6(KCNE1):c.55G>C (p.Glu19Gln)

Gene: KCNE1 (potassium voltage-gated channel subfamily E regulatory subunit 1; minus strand). Cytogenetic location: 21q22.12.
Variant type: single nucleotide variant.
Coding change: c.55G>C on transcript NM_000219.6 (MANE Select); coding-DNA position 55, G replaced by C.
Protein change: p.Glu19Gln; replaces glutamic acid 19 with glutamine.
Molecular consequence: missense variant.
Genome position (GRCh38, 1-based): chr21:34,449,580, C>G on the plus strand (G>C on the coding strand, the complement: KCNE1 is on the minus strand). VCF-style: chr21-34449580-C-G. GRCh37 (hg19) VCF-style: chr21-35821878-C-G.
Other names: c.55G>C, p.Glu19Gln (NM_001127668.4, NM_001127669.4, NM_001127670.4 and 4 more transcripts); short protein forms E19Q.
Identifiers: ClinVar variation 3373923 (VCV003373923.2).

Conditions:
Long QT syndrome 5 (LQT5). Identifiers: Orphanet 101016, Orphanet 768, MedGen C1867904, MONDO:0013372, OMIM 613695.

gnomAD v4.1: 1 of 1,015,226 alleles (0.000099%); highest among the groups gnomAD compares: South Asian, 0.0016%; no homozygotes.

Submission:

Roden Lab, Vanderbilt University Medical Center
No classification provided (evidence only). Condition: Long QT syndrome 5. Review status: no classification provided. Collection method: in vitro. Allele origin: not applicable. Functional consequence: Effect on ion channel function.
ClinVar note: "not provided" was previously submitted as the classification for the variant. However, the classification appeared to be based only on an observation of functional data so it was converted to no classification on 2025-07-30.